The following is an entry in ClinVar:

NM_001378454.1(ALMS1):c.1668T>A (p.Ala556=)

Gene: ALMS1 (ALMS1 centrosome and basal body associated protein; plus strand). Cytogenetic location: 2p13.1.
Variant type: single nucleotide variant.
Coding change: c.1668T>A on transcript NM_001378454.1 (MANE Select); coding-DNA position 1668, T replaced by A.
Protein change: p.Ala556=; no amino-acid change (alanine 556 retained).
Molecular consequence: synonymous variant.
Genome position (GRCh38, 1-based): chr2:73,448,195, T>A. VCF-style: chr2-73448195-T-A. GRCh37 (hg19) VCF-style: chr2-73675322-T-A.
Other names: c.1671T>A, p.Ala557= (NM_015120.4).
Identifiers: ClinVar variation 4979362 (VCV004979362.1).
Genomic context (GRCh38, chr2:73,448,195, plus strand): 5'-TCTCAACCAAAAGACATTAGCAGATACTCATCTAACTGAAGAGACTCTGAAAGTCACAGC[T>A]ATTCCTGAACCAGCTGACCAGAAGACTGCAACACCAACAGTACTCTCTAGTTCCCACTCA-3'
Protein context (NP_001365383.1, residues 546-566): HLTEETLKVT[Ala556=]IPEPADQKTA

ClinVar aggregate classification (germline): Likely benign (1 of 4 stars; one submission).

Conditions:
ALMS1-related disorder. Also called: ALMS1-related condition.

Submission:

PreventionGenetics, part of Exact Sciences
Classification: Likely benign for ALMS1-related condition. Last evaluated: 2025-05-22. Review status: criteria provided, single submitter. Criteria: ACMG Guidelines, 2015. Collection method: clinical testing. Allele origin: germline.
Comment: This variant is classified as likely benign based on ACMG/AMP sequence variant interpretation guidelines (Richards et al. 2015 PMID: 25741868, with internal and published modifications).